The following is an entry in ClinVar:

ClinVar aggregate classification (germline): Uncertain significance (1 of 4 stars; one submission).

Submission:

Labcorp Genetics (formerly Invitae), Labcorp
Classification: Uncertain significance. Last evaluated: 2024-11-24. Review status: criteria provided, single submitter. Criteria: Invitae Variant Classification Sherloc (09022015). Collection method: clinical testing. Allele origin: germline.
Comment: This sequence change replaces proline, which is neutral and non-polar, with leucine, which is neutral and non-polar, at codon 99 of the MYO6 protein (p.Pro99Leu). This variant is not present in population databases (gnomAD no frequency). This variant has not been reported in the literature in individuals affected with MYO6-related conditions. Invitae Evidence Modeling of protein sequence and biophysical properties (such as structural, functional, and spatial information, amino acid conservation, physicochemical variation, residue mobility, and thermodynamic stability) indicates that this missense variant is expected to disrupt MYO6 protein function with a positive predictive value of 80%. In summary, the available evidence is currently insufficient to determine the role of this variant in disease. Therefore, it has been classified as a Variant of Uncertain Significance.

NM_004999.4(MYO6):c.296C>T (p.Pro99Leu)

Gene: MYO6 (myosin VI; plus strand). Cytogenetic location: 6q14.1.
Variant type: single nucleotide variant.
Coding change: c.296C>T on transcript NM_004999.4 (MANE Select); coding-DNA position 296, C replaced by T.
Protein change: p.Pro99Leu; replaces proline 99 with leucine.
Molecular consequence: missense variant. On other transcripts: non-coding transcript variant (2).
Genome position (GRCh38, 1-based): chr6:75,830,450, C>T. VCF-style: chr6-75830450-C-T. GRCh37 (hg19) VCF-style: chr6-76540167-C-T.
Other names: c.296C>T, p.Pro99Leu (NM_001368865.1, NM_001368866.1, NM_001300899.2 and 5 more transcripts); short protein forms P99L.
Identifiers: ClinVar variation 3673017 (VCV003673017.2).